The following is an entry in ClinVar:

ClinVar aggregate classification (germline): Pathogenic (1 of 4 stars; one submission).

Conditions:
Hereditary spastic paraplegia 15 (SPG15). Also called: SPASTIC PARAPLEGIA 15, AUTOSOMAL RECESSIVE; KJELLIN SYNDROME; SPASTIC PARAPLEGIA AND RETINAL DEGENERATION. Identifiers: Orphanet 100996, MedGen C1849128, MONDO:0010044, OMIM 270700.

Submission:

Myriad Genetics, Inc.
Classification: Pathogenic for Hereditary spastic paraplegia 15. Last evaluated: 2026-01-25. Review status: criteria provided, single submitter. Criteria: Myriad Autosomal Dominant, Autosomal Recessive and X-Linked Classification Criteria (2023). Collection method: clinical testing. Allele origin: unknown.
Comment: NM_015346.3(ZFYVE26):c.1689delG(C564Afs*50) is expected to be pathogenic in the context of spastic paraplegia type 15. This variant is predicted to lead to an abnormal or absent protein product due to the creation of a premature termination codon in ZFYVE26, a gene where loss-of-function variants are known to be pathogenic. Please note: this variant was assessed in the context of healthy population screening.

NM_015346.4(ZFYVE26):c.1689del (p.Cys564fs)

Gene: ZFYVE26 (zinc finger FYVE-type containing 26; minus strand). Cytogenetic location: 14q24.1.
Variant type: Deletion.
Coding change: c.1689del on transcript NM_015346.4 (MANE Select); coding-DNA position 1689, one base deleted (G; older notation c.1689delG).
Protein change: p.Cys564fs; shifts the reading frame from cysteine 564.
Molecular consequence: frameshift variant.
Genome position (GRCh38, 1-based): chr14:67,798,573, C deleted on the plus strand (G on the coding strand, the reverse complement: ZFYVE26 is on the minus strand). VCF-style (leftmost placement, unchanged base first): chr14-67798572-AC-A. GRCh37 (hg19) VCF-style: chr14-68265289-AC-A.
Other names: short protein forms C564fs.
Identifiers: ClinVar variation 5015478 (VCV005015478.1).
Genomic context (GRCh38, chr14:67,798,572, plus strand): 5'-TGAGAAGCAATGAGAAGATGTTTTCCAGAAGCTCCAGGCACAGAGAGTCAGGAATACTGC[AC>A]AGATACTGTTGACACCTGGCCAGGTAAGTTGAGAAGAGATTTGCAGCACCTACAAAAACA-3'